The following is an entry in ClinVar:

ClinVar aggregate classification (germline): Pathogenic (1 of 4 stars; one submission).

Conditions:
Spastic paraplegia. Identifiers: MedGen C0037772, HP:0001258.

Submission:

Labcorp Genetics (formerly Invitae), Labcorp
Classification: Pathogenic for Spastic paraplegia. Last evaluated: 2018-11-07. Review status: criteria provided, single submitter. Criteria: Invitae Variant Classification Sherloc (09022015). Collection method: clinical testing. Allele origin: germline.
Comment: This sequence change creates a premature translational stop signal (p.Thr1622*) in the ZFYVE26 gene. It is expected to result in an absent or disrupted protein product. This variant is not present in population databases (ExAC no frequency). This variant has not been reported in the literature in individuals with ZFYVE26-related disease. Loss-of-function variants in ZFYVE26 are known to be pathogenic (PMID: 18394578, 19805727). For these reasons, this variant has been classified as Pathogenic.

NM_015346.4(ZFYVE26):c.4864_4865del (p.His1621_Thr1622insTer)

Gene: ZFYVE26 (zinc finger FYVE-type containing 26; minus strand). Cytogenetic location: 14q24.1.
Variant type: Microsatellite.
Coding change: c.4864_4865del on transcript NM_015346.4 (MANE Select); coding-DNA positions 4864 to 4865, 2 bases deleted (AC; older notation c.4864_4865delAC).
Protein change: p.His1621_Thr1622insTer.
Molecular consequence: nonsense.
Genome position (GRCh38, 1-based): chr14:67,777,668-67,777,669, GT deleted on the plus strand (AC on the coding strand, the reverse complement: ZFYVE26 is on the minus strand); deleting any 2 consecutive bases within chr14:67,777,668-67,777,672 gives the same sequence; the c. name uses the placement nearest the transcript's 3' end. VCF-style (leftmost placement, unchanged base first): chr14-67777667-AGT-A. GRCh37 (hg19) VCF-style: chr14-68244384-AGT-A.
Identifiers: ClinVar variation 647125 (VCV000647125.1), dbSNP rs1594906944, ClinGen allele CA915948937.
Genomic context (GRCh38, chr14:67,777,667, plus strand): 5'-CAGTTGTCCATAGAAGTGGGTGGTGAGGTAGTTGGCCAAGAAGTGAGAAGTGGCCAAGCT[AGT>A]GTGCTGGTCGAGGGATTGCTCTGTCACTTCAAGGCACATGGTGGGGTCAGGGATTCTTCG-3'